The following is an entry in ClinVar:

NM_001018115.3(FANCD2):c.2566A>C (p.Thr856Pro)

Genes: FANCD2 (FA complementation group D2; plus strand), LOC107303338 (3p25 FANCD2 Alu-mediated recombination region; plus strand). Cytogenetic location: 3p25.3.
Variant type: single nucleotide variant.
Coding change: c.2566A>C on transcript NM_001018115.3 (MANE Select); coding-DNA position 2566, A replaced by C.
Protein change: p.Thr856Pro; replaces threonine 856 with proline.
Molecular consequence: missense variant.
Genome position (GRCh38, 1-based): chr3:10,072,942, A>C. VCF-style: chr3-10072942-A-C. GRCh37 (hg19) VCF-style: chr3-10114626-A-C.
Other names: c.2566A>C, p.Thr856Pro (NM_001319984.2, NM_001374254.1, NM_033084.6); c.2455A>C, p.Thr819Pro (NM_001374253.1); short protein forms T819P, T856P.
Identifiers: ClinVar variation 3648019 (VCV003648019.2).

ClinVar aggregate classification (germline): Uncertain significance (1 of 4 stars; one submission).

Conditions:
Fanconi anemia (FA). Also called: Fanconi's anemia. Identifiers: Orphanet 84, MedGen C0015625, MeSH D005199, MONDO:0019391.

Submission:

Labcorp Genetics (formerly Invitae), Labcorp
Classification: Uncertain significance for Fanconi anemia. Last evaluated: 2024-03-28. Review status: criteria provided, single submitter. Criteria: Invitae Variant Classification Sherloc (09022015). Collection method: clinical testing. Allele origin: germline.
Comment: This sequence change replaces threonine, which is neutral and polar, with proline, which is neutral and non-polar, at codon 856 of the FANCD2 protein (p.Thr856Pro). This variant is not present in population databases (gnomAD no frequency). This variant has not been reported in the literature in individuals affected with FANCD2-related conditions. Advanced modeling of protein sequence and biophysical properties (such as structural, functional, and spatial information, amino acid conservation, physicochemical variation, residue mobility, and thermodynamic stability) performed at Invitae indicates that this missense variant is not expected to disrupt FANCD2 protein function with a negative predictive value of 80%. In summary, the available evidence is currently insufficient to determine the role of this variant in disease. Therefore, it has been classified as a Variant of Uncertain Significance.